The following is an entry in ClinVar:

ClinVar aggregate classification (germline): Likely pathogenic (1 of 4 stars; one submission).

Submission:

Labcorp Genetics (formerly Invitae), Labcorp
Classification: Likely pathogenic. Last evaluated: 2024-09-11. Review status: criteria provided, single submitter. Criteria: Invitae Variant Classification Sherloc (09022015). Collection method: clinical testing. Allele origin: germline.
Comment: This sequence change affects an acceptor splice site in intron 39 of the NBAS gene. It is expected to disrupt RNA splicing. Variants that disrupt the donor or acceptor splice site typically lead to a loss of protein function (PMID: 16199547), and loss-of-function variants in NBAS are known to be pathogenic (PMID: 26073778, 26541327, 27789416, 28031453). This variant is not present in population databases (gnomAD no frequency). This variant has not been reported in the literature in individuals affected with NBAS-related conditions. Algorithms developed to predict the effect of sequence changes on RNA splicing suggest that this variant may disrupt the consensus splice site. In summary, the currently available evidence indicates that the variant is pathogenic, but additional data are needed to prove that conclusively. Therefore, this variant has been classified as Likely Pathogenic.

Literature cited by the submitters: PubMed 16199547; PubMed 26073778; PubMed 26541327; PubMed 27789416; PubMed 28031453.

NM_015909.4(NBAS):c.4660-1G>T

Gene: NBAS (NBAS subunit of NRZ tethering complex; minus strand). Cytogenetic location: 2p24.3.
Variant type: single nucleotide variant.
Coding change: c.4660-1G>T on transcript NM_015909.4 (MANE Select); the canonical splice acceptor site of the intron before coding-DNA position 4660, G replaced by T.
Molecular consequence: splice acceptor variant.
Genome position (GRCh38, 1-based): chr2:15,308,354, C>A on the plus strand (G>T on the coding strand, the complement: NBAS is on the minus strand). VCF-style: chr2-15308354-C-A. GRCh37 (hg19) VCF-style: chr2-15448478-C-A.
Identifiers: ClinVar variation 3706307 (VCV003706307.2).